The following is an entry in ClinVar:

ClinVar aggregate classification (germline): Uncertain significance. Review status: criteria provided, multiple submitters, no conflicts (2 of 4 stars). 2 submissions from 2 submitters: Uncertain significance (2). Last evaluated 2023-12-11.

Conditions:
Severe X-linked myotubular myopathy (CNMX). Also called: MYOTUBULAR MYOPATHY 1; X-linked centronuclear myopathy; Myotubular myopathy, X-linked. Identifiers: Orphanet 596, MedGen C0410203, MONDO:0010683, OMIM 310400.

Allele frequency attached by ClinVar (database versions not stated): gnomAD exomes below 0.00001; TOPMed 0.00001.
gnomAD v4.1: 5 of 1,210,774 alleles (0.00041%); highest among the groups gnomAD compares: Non-Finnish European, 0.00056%; no homozygotes.

Submissions (2):

Labcorp Genetics (formerly Invitae), Labcorp
Classification: Uncertain significance for Severe X-linked myotubular myopathy. Last evaluated: 2023-12-11. Review status: criteria provided, single submitter. Criteria: Invitae Variant Classification Sherloc (09022015). Collection method: clinical testing. Allele origin: germline.
Comment: This sequence change replaces threonine, which is neutral and polar, with isoleucine, which is neutral and non-polar, at codon 492 of the MTM1 protein (p.Thr492Ile). This variant is not present in population databases (gnomAD no frequency). This variant has not been reported in the literature in individuals affected with MTM1-related conditions. ClinVar contains an entry for this variant (Variation ID: 2175324). Advanced modeling of protein sequence and biophysical properties (such as structural, functional, and spatial information, amino acid conservation, physicochemical variation, residue mobility, and thermodynamic stability) has been performed at Invitae for this missense variant, however the output from this modeling did not meet the statistical confidence thresholds required to predict the impact of this variant on MTM1 protein function. In summary, the available evidence is currently insufficient to determine the role of this variant in disease. Therefore, it has been classified as a Variant of Uncertain Significance.

CeGaT Center for Human Genetics Tuebingen
Classification: Uncertain significance. Last evaluated: 2023-10-01. Review status: criteria provided, single submitter. Criteria: CeGaT Center For Human Genetics Tuebingen Variant Classification Criteria Version 2. Collection method: clinical testing. Allele origin: germline. Affected: yes. Observed: 1 variant allele.
Comment: MTM1: PM2

NM_000252.3(MTM1):c.1475C>T (p.Thr492Ile)

Gene: MTM1 (myotubularin 1; plus strand). Cytogenetic location: Xq28.
Variant type: single nucleotide variant.
Coding change: c.1475C>T on transcript NM_000252.3 (MANE Select); coding-DNA position 1475, C replaced by T.
Protein change: p.Thr492Ile; replaces threonine 492 with isoleucine.
Molecular consequence: missense variant.
Genome position (GRCh38, 1-based): chrX:150,663,440, C>T. VCF-style: chrX-150663440-C-T. GRCh37 (hg19) VCF-style: chrX-149831913-C-T.
Other names: c.1475C>T, p.Thr492Ile (NM_001376906.1, NM_001376908.1); c.1364C>T, p.Thr455Ile (NM_001376907.1); short protein forms T492I, T455I.
Identifiers: ClinVar variation 2175324 (VCV002175324.27), dbSNP rs1401864234, ClinGen allele CA415259913.